The following is an entry in ClinVar:

NM_000428.3(LTBP2):c.2931del (p.Gly978fs)

Gene: LTBP2 (latent transforming growth factor beta binding protein 2; minus strand). Cytogenetic location: 14q24.3.
Variant type: Deletion.
Coding change: c.2931del on transcript NM_000428.3 (MANE Select); coding-DNA position 2931, one base deleted (C; older notation c.2931delC).
Protein change: p.Gly978fs; shifts the reading frame from glycine 978.
Molecular consequence: frameshift variant.
Genome position (GRCh38, 1-based): chr14:74,511,342, G deleted on the plus strand (C on the coding strand, the reverse complement: LTBP2 is on the minus strand); the first of 4 consecutive G bases (chr14:74,511,342-74,511,345); deleting any one gives the same sequence. VCF-style (leftmost placement, unchanged base first): chr14-74511341-CG-C. GRCh37 (hg19) VCF-style: chr14-74978044-CG-C.
Other names: short protein forms G978fs.
Identifiers: ClinVar variation 1032352 (VCV001032352.7), dbSNP rs1467675240, ClinGen allele CA615028802.

ClinVar aggregate classification (germline): Pathogenic (1 of 4 stars; one submission).

Submission:

Labcorp Genetics (formerly Invitae), Labcorp
Classification: Pathogenic. Last evaluated: 2025-08-18. Review status: criteria provided, single submitter. Criteria: Invitae Variant Classification Sherloc (09022015). Collection method: clinical testing. Allele origin: germline.
Comment: This sequence change creates a premature translational stop signal (p.Gly978Valfs*32) in the LTBP2 gene. It is expected to result in an absent or disrupted protein product. Loss-of-function variants in LTBP2 are known to be pathogenic (PMID: 19361779, 19656777, 22025892). This variant is present in population databases (no rsID available, gnomAD 0.002%). This variant has not been reported in the literature in individuals affected with LTBP2-related conditions. ClinVar contains an entry for this variant (Variation ID: 1032352). For these reasons, this variant has been classified as Pathogenic.

Literature cited by the submitters: PubMed 19361779; PubMed 19656777; PubMed 22025892.